The following is an entry in ClinVar:

NM_018131.5(CEP55):c.571C>T (p.Arg191Trp)

Gene: CEP55 (centrosomal protein 55; plus strand). Cytogenetic location: 10q23.33.
Variant type: single nucleotide variant.
Coding change: c.571C>T on transcript NM_018131.5 (MANE Select); coding-DNA position 571, C replaced by T.
Protein change: p.Arg191Trp; replaces arginine 191 with tryptophan.
Molecular consequence: missense variant.
Genome position (GRCh38, 1-based): chr10:93,515,447, C>T. VCF-style: chr10-93515447-C-T. GRCh37 (hg19) VCF-style: chr10-95275204-C-T.
Other names: c.571C>T, p.Arg191Trp (NM_001127182.2); short protein forms R191W.
Identifiers: ClinVar variation 3358802 (VCV003358802.1).

ClinVar aggregate classification (germline): Uncertain significance (0 of 4 stars; one submission).

Conditions:
CEP55-related disorder. Also called: CEP55-related condition.

gnomAD v4.1: 11 of 1,612,640 alleles (0.00068%); highest among the groups gnomAD compares: African/African-American, 0.0013%; no homozygotes.

Submission:

PreventionGenetics, part of Exact Sciences
Classification: Uncertain significance for CEP55-related condition. Last evaluated: 2024-03-20. Review status: no assertion criteria provided. Collection method: clinical testing. Allele origin: germline.
Comment: The CEP55 c.571C>T variant is predicted to result in the amino acid substitution p.Arg191Trp. To our knowledge, this variant has not been reported in the literature. This variant is reported in 0.0040% of alleles in individuals of African descent in gnomAD. At this time, the clinical significance of this variant is uncertain due to the absence of conclusive functional and genetic evidence.